The following is an entry in ClinVar:

NM_005862.3(STAG1):c.1961T>C (p.Val654Ala)

Gene: STAG1 (STAG1 cohesin complex component; minus strand). Cytogenetic location: 3q22.3.
Variant type: single nucleotide variant.
Coding change: c.1961T>C on transcript NM_005862.3 (MANE Select); coding-DNA position 1961, T replaced by C.
Protein change: p.Val654Ala; replaces valine 654 with alanine.
Molecular consequence: missense variant.
Genome position (GRCh38, 1-based): chr3:136,422,486, A>G on the plus strand (T>C on the coding strand, the complement: STAG1 is on the minus strand). VCF-style: chr3-136422486-A-G. GRCh37 (hg19) VCF-style: chr3-136141328-A-G.
Other names: short protein forms V654A.
Identifiers: ClinVar variation 1303995 (VCV001303995.2), dbSNP rs2107729895, ClinGen allele CA354643928.

ClinVar aggregate classification (germline): Uncertain significance (1 of 4 stars; one submission).

Allele frequency attached by ClinVar (database versions not stated): gnomAD exomes below 0.00001.
gnomAD v4.1: 2 of 1,613,936 alleles (0.00012%); no homozygotes.

Submission:

GeneDx
Classification: Uncertain significance. Last evaluated: 2019-10-14. Review status: criteria provided, single submitter. Criteria: GeneDx Variant Classification Process June 2021. Collection method: clinical testing. Allele origin: germline. Affected: yes.
Comment: Not observed in large population cohorts (Lek et al., 2016); In silico analysis, which includes protein predictors and evolutionary conservation, supports that this variant does not alter protein structure/function; Has not been previously published as pathogenic or benign to our knowledge